The following is an entry in ClinVar:

NM_000186.4(CFH):c.652G>T (p.Gly218Ter)

Gene: CFH (complement factor H; plus strand). Cytogenetic location: 1q31.3.
Variant type: single nucleotide variant.
Coding change: c.652G>T on transcript NM_000186.4 (MANE Select); coding-DNA position 652, G replaced by T.
Protein change: p.Gly218Ter; replaces glycine 218 with a stop codon.
Molecular consequence: nonsense.
Genome position (GRCh38, 1-based): chr1:196,679,655, G>T. VCF-style: chr1-196679655-G-T. GRCh37 (hg19) VCF-style: chr1-196648785-G-T.
Other names: c.652G>T, p.Gly218Ter (NM_001014975.3); short protein forms G218*.
Identifiers: ClinVar variation 4291316 (VCV004291316.1).
Genomic context (GRCh38, chr1:196,679,655, plus strand): 5'-ATTTTGGAATTTAATCCCTTTTATTTAGAAATTTCATGCAAATCCCCAGATGTTATAAAT[G>T]GATCTCCTATATCTCAGAAGATTATTTATAAGGAGAATGAACGATTTCAATATAAATGTA-3'

ClinVar aggregate classification (germline): Pathogenic (1 of 4 stars; one submission).

Conditions:
Age related macular degeneration 4. Identifiers: MedGen C1853147, MONDO:0012540, OMIM 610698.

Submission:

Genomenon, Inc
Classification: Pathogenic for Age related macular degeneration 4. Last evaluated: 2025-10-02. Review status: criteria provided, single submitter. Criteria: Genomenon Sequence Variant Interpretation Standards - Updated. Collection method: curation. Allele origin: germline. Affected: yes.
Comment: CFH p.Gly218Ter (c.652G>T) is a nonsense variant that introduces a premature stop codon at amino acid position 218, creating a truncated protein that is predicted to undergo nonsense-mediated mRNA decay. This variant has been observed in at least one proband affected with age-related macular degeneration (PMID:29686068;26501415). It is absent or not present at a significant frequency in gnomAD. In conclusion, we classify CFH p.Gly218Ter (c.652G>T) as a pathogenic variant.

Literature cited by the submitters: PubMed 29686068; PubMed 26501415.